The following is an entry in ClinVar:

NM_001267550.2(TTN):c.32653A>G (p.Met10885Val)

Gene: TTN (titin; minus strand). Cytogenetic location: 2q31.2.
Variant type: single nucleotide variant.
Coding change: c.32653A>G on transcript NM_001267550.2 (MANE Select); coding-DNA position 32653, A replaced by G.
Protein change: p.Met10885Val; replaces methionine 10885 with valine.
Molecular consequence: missense variant. On other transcripts: intron variant (3).
Genome position (GRCh38, 1-based): chr2:178,684,399, T>C on the plus strand (A>G on the coding strand, the complement: TTN is on the minus strand). VCF-style: chr2-178684399-T-C. GRCh37 (hg19) VCF-style: chr2-179549126-T-C.
Other names: c.32653A>G (LRG_391t1); c.31702A>G, p.Met10568Val (NM_001256850.1); c.28921A>G, p.Met9641Val (NM_133378.4); c.13283-42082A>G (NM_003319.4); c.13859-42082A>G (NM_133437.4); c.13658-42082A>G (NM_133432.3); short protein forms M10885V, M9641V, M10568V.
Identifiers: ClinVar variation 586880 (VCV000586880.13), dbSNP rs200732179, ClinGen allele CA1998565.

ClinVar aggregate classification (germline): Conflicting classifications of pathogenicity. Review status: criteria provided, conflicting classifications (1 of 4 stars). 7 submissions from 7 submitters: Uncertain significance (5); Likely benign (1). 1 of the submissions does not count toward it. Last evaluated 2024-12-06.

Conditions:
Early-onset myopathy with fatal cardiomyopathy (CMYO5). Also called: CONGENITAL MYOPATHY 5 WITH CARDIOMYOPATHY; Salih Myopathy. Identifiers: Orphanet 289377, MedGen C2673677, MONDO:0012714, OMIM 611705. Disease mechanism: loss of function.

Allele frequency attached by ClinVar (database versions not stated): ESP Exome Variant Server 0.00008; TOPMed 0.00010.

Submissions (7):

Revvity Omics, Revvity
Classification: Uncertain significance. Last evaluated: 2024-12-06. Review status: criteria provided, single submitter. Criteria: ACMG Guidelines, 2015. Collection method: clinical testing. Allele origin: germline.

Blueprint Genetics
Classification: Likely benign. Last evaluated: 2024-10-23. Review status: criteria provided, single submitter. Criteria: ACMG Guidelines, 2015. Collection method: clinical testing. Allele origin: germline.

Clinical Genetics Laboratory, Skane University Hospital Lund
Classification: Uncertain significance. Last evaluated: 2022-12-19. Review status: criteria provided, single submitter. Criteria: ACMG Guidelines, 2015. Collection method: clinical testing. Allele origin: germline. Affected: yes.

Baylor Genetics
Classification: Uncertain significance for Early-onset myopathy with fatal cardiomyopathy. Last evaluated: 2020-09-10. Review status: criteria provided, single submitter. Criteria: ACMG Guidelines, 2015. Collection method: clinical testing. Allele origin: unknown. Affected: yes.
Comment: This variant was determined to be of uncertain significance according to ACMG Guidelines, 2015 [PMID:25741868].

Athena Diagnostics
Classification: Uncertain significance. Last evaluated: 2017-11-29. Review status: criteria provided, single submitter. Criteria: Athena Diagnostics Criteria. Collection method: clinical testing. Allele origin: germline.

Eurofins Ntd Llc (ga)
Classification: Uncertain significance. Last evaluated: 2017-09-27. Review status: criteria provided, single submitter. Criteria: EGL Classification Definitions 2015. Collection method: clinical testing. Allele origin: germline. Observed: 3 variant alleles, 3 heterozygotes.

Department of Pathology and Laboratory Medicine, Sinai Health System
Classification: Uncertain significance. Review status: no assertion criteria provided. Collection method: clinical testing. Allele origin: unknown. Affected: yes. Study: The Canadian Open Genetics Repository (COGR). Not counted in ClinVar's aggregate classification.
Comment: The TTN p.Met9641Val variant was not identified in the literature nor was it identified in Cosmic or LOVD 3.0. The variant was identified in dbSNP (ID: rs200732179) and in ClinVar (classified as a VUS by Athena Diagnostics and EGL Genetics). The variant was also identified in control databases in 35 of 248836 chromosomes at a frequency of 0.000141 (Genome Aggregation Database Feb 27, 2017). The variant was observed in the following populations: European (non-Finnish) in 28 of 112814 chromosomes (freq: 0.000248), European (Finnish) in 5 of 21540 chromosomes (freq: 0.000232), Other in 1 of 6038 chromosomes (freq: 0.000166) and African in 1 of 15466 chromosomes (freq: 0.000065); it was not observed in the Latino, Ashkenazi Jewish, East Asian or South Asian populations. The p.Met9641 residue is not conserved in mammals and computational analyses (PolyPhen-2, SIFT, AlignGVGD, BLOSUM, MutationTaster) do not suggest a high likelihood of impact to the protein; however, this information is not predictive enough to rule out pathogenicity. The variant occurs outside of the splicing consensus sequence and 3 of 4 in silico or computational prediction software programs (MaxEntScan, NNSPLICE, GeneSplicer) do not predict a difference in splicing. In summary, based on the above information the clinical significance of this variant cannot be determined with certainty at this time. This variant is classified as a variant of uncertain significance.